The following is an entry in ClinVar:

ClinVar aggregate classification (germline): Likely benign. Review status: criteria provided, multiple submitters, no conflicts (2 of 4 stars). 4 submissions from 4 submitters: Likely benign (4). Last evaluated 2024-01-02.

Conditions:
Hereditary cancer-predisposing syndrome. Also called: Neoplastic Syndromes, Hereditary; Tumor predisposition; Hereditary Cancer Syndrome; Hereditary neoplastic syndrome. Identifiers: Orphanet 140162, MedGen C0027672, MeSH D009386, MONDO:0015356.
Classic or attenuated familial adenomatous polyposis. Identifiers: MedGen CN372698, MONDO:0021057.
Familial adenomatous polyposis 1 (FAP1). Also called: FAMILIAL ADENOMATOUS POLYPOSIS 1, ATTENUATED; POLYPOSIS, ADENOMATOUS INTESTINAL. Identifiers: MedGen C2713442, MONDO:0021056, OMIM 175100. Disease mechanism: loss of function.

Submissions (4):

Labcorp Genetics (formerly Invitae), Labcorp
Classification: Likely benign for Familial adenomatous polyposis 1. Last evaluated: 2024-01-02. Review status: criteria provided, single submitter. Criteria: Invitae Variant Classification Sherloc (09022015). Collection method: clinical testing. Allele origin: germline.

All of Us Research Program, National Institutes of Health
Classification: Likely benign for Classic or attenuated familial adenomatous polyposis. Last evaluated: 2023-11-28. Review status: criteria provided, single submitter. Criteria: ACMG Guidelines, 2015. Collection method: clinical testing. Allele origin: germline. Inheritance: Autosomal dominant inheritance. Observed: 2 variant alleles, 2 heterozygotes.
Comment: This study involves interpretation of variants in research participants for the purpose of population health screening. Participant phenotype was not available at the time of variant classification. Additional details can be found in publication PMID: 35346344, PMCID: PMC8962531

Ambry Genetics
Classification: Likely benign for Hereditary cancer-predisposing syndrome. Last evaluated: 2021-04-28. Review status: criteria provided, single submitter. Criteria: Ambry Variant Classification Scheme 2023. Collection method: clinical testing. Allele origin: germline.

Color Diagnostics, LLC DBA Color Health
Classification: Likely benign for Hereditary cancer-predisposing syndrome. Last evaluated: 2019-02-06. Review status: criteria provided, single submitter. Criteria: ACMG Guidelines, 2015. Collection method: clinical testing. Allele origin: germline.

NM_000038.6(APC):c.8403G>A (p.Arg2801=)

Gene: APC (APC regulator of Wnt signaling pathway; plus strand). Cytogenetic location: 5q22.2.
Variant type: single nucleotide variant.
Coding change: c.8403G>A on transcript NM_000038.6 (MANE Select); coding-DNA position 8403, G replaced by A.
Protein change: p.Arg2801=; no amino-acid change (arginine 2801 retained).
Molecular consequence: synonymous variant.
Genome position (GRCh38, 1-based): chr5:112,843,997, G>A. VCF-style: chr5-112843997-G-A. GRCh37 (hg19) VCF-style: chr5-112179694-G-A.
Other names: c.8403G>A, p.Arg2801= (NM_001127510.3, NM_001354895.2); c.8349G>A, p.Arg2783= (NM_001127511.3); c.8457G>A, p.Arg2819= (NM_001354896.2); c.8433G>A, p.Arg2811= (NM_001354897.2); c.8328G>A, p.Arg2776= (NM_001354898.2); c.8319G>A, p.Arg2773= (NM_001354899.2); c.8280G>A, p.Arg2760= (NM_001354900.2); c.8226G>A, p.Arg2742= (NM_001354901.2); and 5 more.
Identifiers: ClinVar variation 926417 (VCV000926417.15), dbSNP rs759870702, ClinGen allele CA446211348.